The following is an entry in ClinVar:

NM_000488.4(SERPINC1):c.1100T>G (p.Leu367Arg)

Gene: SERPINC1 (serpin family C member 1; minus strand). Cytogenetic location: 1q25.1.
Variant type: single nucleotide variant.
Coding change: c.1100T>G on transcript NM_000488.4 (MANE Select); coding-DNA position 1100, T replaced by G.
Protein change: p.Leu367Arg; replaces leucine 367 with arginine.
Molecular consequence: missense variant.
Genome position (GRCh38, 1-based): chr1:173,909,605, A>C on the plus strand (T>G on the coding strand, the complement: SERPINC1 is on the minus strand). VCF-style: chr1-173909605-A-C. GRCh37 (hg19) VCF-style: chr1-173878743-A-C.
Other names: c.956T>G, p.Leu319Arg (NM_001365052.2); c.1223T>G, p.Leu408Arg (NM_001386302.1); c.1181T>G, p.Leu394Arg (NM_001386303.1); c.1079T>G, p.Leu360Arg (NM_001386304.1); c.1043T>G, p.Leu348Arg (NM_001386305.1); c.884T>G, p.Leu295Arg (NM_001386306.1); short protein forms L319R, L360R, L408R, L394R, L295R, L348R, L367R.
Identifiers: ClinVar variation 3720740 (VCV003720740.2).

ClinVar aggregate classification (germline): Uncertain significance (1 of 4 stars; one submission).

Conditions:
Hereditary antithrombin deficiency (AT3D). Also called: Thrombophilia due to antithrombin III deficiency; Reduced antithrombin III activity; Antithrombin III deficiency; Antithrombin deficiency. Identifiers: Orphanet 82, MedGen C0272375, MONDO:0013144, OMIM 613118, HP:0001976.

Submission:

Labcorp Genetics (formerly Invitae), Labcorp
Classification: Uncertain significance for Hereditary antithrombin deficiency. Last evaluated: 2025-01-27. Review status: criteria provided, single submitter. Criteria: Invitae Variant Classification Sherloc (09022015). Collection method: clinical testing. Allele origin: germline.
Comment: This sequence change replaces leucine, which is neutral and non-polar, with arginine, which is basic and polar, at codon 367 of the SERPINC1 protein (p.Leu367Arg). This variant is not present in population databases (gnomAD no frequency). This variant has not been reported in the literature in individuals affected with SERPINC1-related conditions. Invitae Evidence Modeling of protein sequence and biophysical properties (such as structural, functional, and spatial information, amino acid conservation, physicochemical variation, residue mobility, and thermodynamic stability) indicates that this missense variant is expected to disrupt SERPINC1 protein function with a positive predictive value of 95%. In summary, the available evidence is currently insufficient to determine the role of this variant in disease. Therefore, it has been classified as a Variant of Uncertain Significance.